The following is an entry in ClinVar:

ClinVar aggregate classification (germline): Uncertain significance. Review status: criteria provided, multiple submitters, no conflicts (2 of 4 stars). 2 submissions from 2 submitters: Uncertain significance (2). Last evaluated 2023-09-25.

Conditions:
Melnick-Needles syndrome (MNS). Also called: MELNICK-NEEDLES OSTEODYSPLASTY; OSTEODYSPLASTY OF MELNICK AND NEEDLES; Melnick-Needles Syndrome (FLNA-MNS). Identifiers: Orphanet 2484, MedGen C0025237, MONDO:0010650, OMIM 309350.
Frontometaphyseal dysplasia (FMD1). Identifiers: MONDO:0015942, Orphanet 1826, MedGen C0265293.
Oto-palato-digital syndrome, type II (OPD2). Also called: Otopalatodigital Syndrome, Type II; FACIOPALATOOSSEOUS SYNDROME; OPD II SYNDROME; Otopalatodigital Syndrome Type 2 (FLNA-OPD2). Identifiers: Orphanet 669, Orphanet 90652, MedGen C1844696, MONDO:0010571, OMIM 304120.
Heterotopia, periventricular, X-linked dominant (PVNH1). Also called: X-linked periventricular heterotopia; PERIVENTRICULAR NODULAR HETEROTOPIA 4; HETEROTOPIA, PERIVENTRICULAR, 1; PERIVENTRICULAR NODULAR HETEROTOPIA 1. Identifiers: Orphanet 2149, Orphanet 82004, MedGen C1848213, MONDO:0010233, OMIM 300049.

Submissions (2):

Labcorp Genetics (formerly Invitae), Labcorp
Classification: Uncertain significance for Oto-palato-digital syndrome, type II; Heterotopia, periventricular, X-linked dominant; Frontometaphyseal dysplasia; Melnick-Needles syndrome. Last evaluated: 2023-09-25. Review status: criteria provided, single submitter. Criteria: Invitae Variant Classification Sherloc (09022015). Collection method: clinical testing. Allele origin: germline.
Comment: In summary, the available evidence is currently insufficient to determine the role of this variant in disease. Therefore, it has been classified as a Variant of Uncertain Significance. Algorithms developed to predict the effect of sequence changes on RNA splicing suggest that this variant may create or strengthen a splice site. Advanced modeling of protein sequence and biophysical properties (such as structural, functional, and spatial information, amino acid conservation, physicochemical variation, residue mobility, and thermodynamic stability) performed at Invitae indicates that this missense variant is not expected to disrupt FLNA protein function. ClinVar contains an entry for this variant (Variation ID: 1302340). This variant has not been reported in the literature in individuals affected with FLNA-related conditions. This variant is not present in population databases (gnomAD no frequency). This sequence change replaces asparagine, which is neutral and polar, with aspartic acid, which is acidic and polar, at codon 1931 of the FLNA protein (p.Asn1931Asp).

GeneDx
Classification: Uncertain significance. Last evaluated: 2020-07-07. Review status: criteria provided, single submitter. Criteria: GeneDx Variant Classification Process June 2021. Collection method: clinical testing. Allele origin: germline. Affected: yes.
Comment: Not observed in large population cohorts (Lek et al., 2016); In silico analysis supports that this missense variant does not alter protein structure/function; Has not been previously published as pathogenic or benign to our knowledge

NM_001110556.2(FLNA):c.5815A>G (p.Asn1939Asp)

Gene: FLNA (filamin A; minus strand). Cytogenetic location: Xq28.
Variant type: single nucleotide variant.
Coding change: c.5815A>G on transcript NM_001110556.2 (MANE Select); coding-DNA position 5815, A replaced by G.
Protein change: p.Asn1939Asp; replaces asparagine 1939 with aspartic acid.
Molecular consequence: missense variant.
Genome position (GRCh38, 1-based): chrX:154,353,599, T>C on the plus strand (A>G on the coding strand, the complement: FLNA is on the minus strand). VCF-style: chrX-154353599-T-C. GRCh37 (hg19) VCF-style: chrX-153581967-T-C.
Other names: c.5791A>G, p.Asn1931Asp (NM_001456.4); short protein forms N1931D, N1939D.
Identifiers: ClinVar variation 1302340 (VCV001302340.5), dbSNP rs1603359508, ClinGen allele CA415199161.